The following is an entry in ClinVar:

NM_198525.3(KIF7):c.1096G>A (p.Glu366Lys)

Gene: KIF7 (kinesin family member 7; minus strand). Cytogenetic location: 15q26.1.
Variant type: single nucleotide variant.
Coding change: c.1096G>A on transcript NM_198525.3 (MANE Select); coding-DNA position 1096, G replaced by A.
Protein change: p.Glu366Lys; replaces glutamic acid 366 with lysine.
Molecular consequence: missense variant.
Genome position (GRCh38, 1-based): chr15:89,648,602, C>T on the plus strand (G>A on the coding strand, the complement: KIF7 is on the minus strand). VCF-style: chr15-89648602-C-T. GRCh37 (hg19) VCF-style: chr15-90191833-C-T.
Other names: short protein forms E366K.
Identifiers: ClinVar variation 2083685 (VCV002083685.1), dbSNP rs1473783632, ClinGen allele CA393772563.
Genomic context (GRCh38, chr15:89,648,602, plus strand): 5'-GGATGATGCGGGTCTCGGAGCGGTGCCGTGGCGGACCCCGCGCGCCGCTCGCCGTCTCTT[C>T]GGGTGGCCGCTCGGCCTCGGGCCGCCAGTTGACCGTGGCGCGGTTGCGGATGTTCTGGGC-3'
Protein context (NP_940927.2, residues 356-376): NWRPEAERPP[Glu366Lys]ETASGARGPP

ClinVar aggregate classification (germline): Uncertain significance (1 of 4 stars; one submission).

Conditions:
Acrocallosal syndrome (ACLS). Also called: Schinzel syndrome 1; Absence of corpus callosum with unusual facial appearance, mental deficiency, duplication of the halluces and polydactyly; HALLUX DUPLICATION, POSTAXIAL POLYDACTYLY, AND ABSENCE OF CORPUS CALLOSUM. Identifiers: Orphanet 36, MedGen C0796147, MONDO:0008708, OMIM 200990.

Allele frequency attached by ClinVar (database versions not stated): TOPMed 0.00002; gnomAD exomes 0.00004; gnomAD 0.00005.
gnomAD v4.1: 59 of 1,531,528 alleles (0.0039%); highest among the groups gnomAD compares: Non-Finnish European, 0.005%; 1 homozygote.

Submission:

Labcorp Genetics (formerly Invitae), Labcorp
Classification: Uncertain significance for Acrocallosal syndrome. Last evaluated: 2022-05-17. Review status: criteria provided, single submitter. Criteria: Invitae Variant Classification Sherloc (09022015). Collection method: clinical testing. Allele origin: germline.
Comment: This sequence change replaces glutamic acid, which is acidic and polar, with lysine, which is basic and polar, at codon 366 of the KIF7 protein (p.Glu366Lys). This variant is present in population databases (no rsID available, gnomAD 0.01%), including at least one homozygous and/or hemizygous individual. This variant has not been reported in the literature in individuals affected with KIF7-related conditions. Algorithms developed to predict the effect of missense changes on protein structure and function are either unavailable or do not agree on the potential impact of this missense change (SIFT: "Deleterious"; PolyPhen-2: "Benign"; Align-GVGD: "Class C0"). In summary, the available evidence is currently insufficient to determine the role of this variant in disease. Therefore, it has been classified as a Variant of Uncertain Significance.